The following is an entry in ClinVar:

NM_001943.5(DSG2):c.545A>G (p.Asn182Ser)

Gene: DSG2 (desmoglein 2; plus strand). Cytogenetic location: 18q12.1.
Variant type: single nucleotide variant.
Coding change: c.545A>G on transcript NM_001943.5 (MANE Select); coding-DNA position 545, A replaced by G.
Protein change: p.Asn182Ser; replaces asparagine 182 with serine.
Molecular consequence: missense variant.
Genome position (GRCh38, 1-based): chr18:31,522,104, A>G. VCF-style: chr18-31522104-A-G. GRCh37 (hg19) VCF-style: chr18-29102067-A-G.
Other names: short protein forms N182S.
Identifiers: ClinVar variation 44323 (VCV000044323.28), dbSNP rs368512832, ClinGen allele CA022181.
Genomic context (GRCh38, chr18:31,522,104, plus strand): 5'-GTTGAATTTCATCTTAGACATCTTTATTTCTAATGCCAGATACTCTTGTGATGAAAATCA[A>G]TGCAACAGATGCAGATGAGCCCAATACCCTGAATTCGAAAATTTCCTATAGAATCGTATC-3'
Protein context (NP_001934.2, residues 172-192): SAAHTLVMKI[Asn182Ser]ATDADEPNTL

ClinVar aggregate classification (germline): Conflicting classifications of pathogenicity. Review status: criteria provided, conflicting classifications (1 of 4 stars). 8 submissions from 8 submitters: Uncertain significance (4); Benign (1); Likely benign (3). Last evaluated 2025-12-29.

Conditions:
Arrhythmogenic right ventricular dysplasia 10. Also called: Arrhythmogenic right ventricular dysplasia/cardiomyopathy, type 10; Arrhythmogenic Right Ventricular Dysplasia/Cardiomyopathy10; ARRHYTHMOGENIC RIGHT VENTRICULAR DYSPLASIA, FAMILIAL, 10. Identifiers: MedGen C1857777, MONDO:0012434, OMIM 610193.
Dilated cardiomyopathy 1BB (CMD1BB). Also called: CARDIOMYOPATHY, DILATED, 1BB, SUSCEPTIBILITY TO. Identifiers: Orphanet 154, MedGen C2752072, MONDO:0013030, OMIM 612877.
Cardiovascular phenotype. Identifiers: MedGen CN230736.
Cardiomyopathy (CMYO). Also called: Cardiomyopathies. Identifiers: Orphanet 167848, MedGen C0878544, MONDO:0004994, HP:0001638. Inheritance: Various modes of inheritance.

Allele frequency attached by ClinVar (database versions not stated): gnomAD exomes 0.00002 and 0.00004; gnomAD 0.00013; TOPMed 0.00014; ESP Exome Variant Server 0.00025; 1000 Genomes Project 30x 0.00016; 1000 Genomes Project 0.00020; ExAC 0.00005.

Submissions (8):

Labcorp Genetics (formerly Invitae), Labcorp
Classification: Uncertain significance for Arrhythmogenic right ventricular dysplasia 10. Last evaluated: 2025-12-29. Review status: criteria provided, single submitter. Criteria: Invitae Variant Classification Sherloc (09022015). Collection method: clinical testing. Allele origin: germline.
Comment: This sequence change replaces asparagine, which is neutral and polar, with serine, which is neutral and polar, at codon 182 of the DSG2 protein (p.Asn182Ser). This variant is present in population databases (rs368512832, gnomAD 0.05%). This missense change has been observed in individual(s) with dilated or hypertrophic cardiomyopathy (PMID: 23396983, 24503780, 25351510, 31983221). ClinVar contains an entry for this variant (Variation ID: 44323). Invitae Evidence Modeling of protein sequence and biophysical properties (such as structural, functional, and spatial information, amino acid conservation, physicochemical variation, residue mobility, and thermodynamic stability) indicates that this missense variant is not expected to disrupt DSG2 protein function with a negative predictive value of 95%. In summary, the available evidence is currently insufficient to determine the role of this variant in disease. Therefore, it has been classified as a Variant of Uncertain Significance.

GeneDx
Classification: Uncertain significance. Last evaluated: 2025-12-04. Review status: criteria provided, single submitter. Criteria: GeneDx Variant Classification Process June 2021. Collection method: clinical testing. Allele origin: germline. Affected: yes.
Comment: In silico analysis indicates that this missense variant does not alter protein structure/function; This variant is associated with the following publications: (PMID: 27532257, 31983221, 23396983, 25351510, 30885746, 24503780)

Color Diagnostics, LLC DBA Color Health
Classification: Benign for Cardiomyopathy. Last evaluated: 2024-08-29. Review status: criteria provided, single submitter. Criteria: ACMG Guidelines, 2015. Collection method: clinical testing. Allele origin: germline.

Fulgent Genetics
Classification: Uncertain significance for Arrhythmogenic right ventricular dysplasia 10; Dilated cardiomyopathy 1BB. Last evaluated: 2024-03-07. Review status: criteria provided, single submitter. Criteria: ACMG Guidelines, 2015. Collection method: clinical testing. Allele origin: germline.

Ambry Genetics
Classification: Likely benign for Cardiovascular phenotype. Last evaluated: 2023-04-20. Review status: criteria provided, single submitter. Criteria: Ambry Variant Classification Scheme 2023. Collection method: clinical testing. Allele origin: germline.

Women's Health and Genetics/Laboratory Corporation of America, LabCorp
Classification: Likely benign. Last evaluated: 2019-11-25. Review status: criteria provided, single submitter. Criteria: LabCorp Variant Classification Summary - May 2015. Collection method: clinical testing. Allele origin: germline.
Comment: Variant summary: DSG2 c.545A>G (p.Asn182Ser) results in a conservative amino acid change located in the second cadherin repeat (IPR002126) of the encoded protein sequence, which might affect a potential N-glycosylation site (Debus_2019). Five of five in-silico tools predict a benign effect of the variant on protein function. The variant allele was found at a frequency of 6.1e-05 in 280730 control chromosomes, predominantly at a frequency of 0.00058 within the African or African-American subpopulation in the gnomAD database. The observed variant frequency within African or African-American control individuals in the gnomAD database is approximately 20 fold of the estimated maximal expected allele frequency for a pathogenic variant in DSG2 causing Cardiomyopathy phenotype (2.5e-05), strongly suggesting that the variant is a benign polymorphism found primarily in populations of African or African-American origin. The variant, c.545A>G, has been reported in the literature in individuals affected with hypertrophic- or dilated cardiomyopathy, however without strong evidence for causality (Lopes_2013, Pugh_2014, Walsh_2017). To our knowledge, no experimental evidence demonstrating an impact on protein function has been reported. Five ClinVar submitters have cited the variant as uncertain significance (4x) or likely benign (1x). Based on the evidence outlined above, the variant was classified as likely benign.

Stanford Center for Inherited Cardiovascular Disease, Stanford University
Classification: Uncertain significance. Last evaluated: 2016-05-13. Review status: criteria provided, single submitter. Criteria: ACMG Guidelines, 2015. Collection method: provider interpretation. Allele origin: germline.

Laboratory for Molecular Medicine, Mass General Brigham Personalized Medicine
Classification: Likely benign. Last evaluated: 2015-04-13. Review status: criteria provided, single submitter. Criteria: LMM Criteria. Collection method: clinical testing. Allele origin: germline. Observed: 3 variant alleles.
Comment: p.Asn182Ser in exon 6 of DSG2: This variant is not expected to have clinical sig nificance due to a lack of conservation across species, including mammals. Of no te, multiple mammals, including cat, dog, rock hyrax, and armadillo, have a seri ne (Ser) at this position despite high nearby amino acid conservation. In additi on, computational prediction tools do not suggest a high likelihood of impact to the protein. This variant has also been identified in 5/9798 African chromosome s by the Exome Aggregation Consortium (ExAC; dbS NP rs368512832).

Literature cited by the submitters: PubMed 23396983 (cited by 3 submitters); PubMed 24503780 (cited by 3 submitters); PubMed 25351510 (cited by Labcorp Genetics (formerly Invitae), Labcorp and Ambry Genetics); PubMed 31983221 (cited by Labcorp Genetics (formerly Invitae), Labcorp and Ambry Genetics); PubMed 30885746 (cited by Ambry Genetics and Women's Health and Genetics/Laboratory Corporation of America, LabCorp); PubMed 27532257 (cited by Women's Health and Genetics/Laboratory Corporation of America, LabCorp).